The following is an entry in ClinVar:

NM_006231.4(POLE):c.5386A>G (p.Lys1796Glu)

Gene: POLE (DNA polymerase epsilon, catalytic subunit; minus strand). Cytogenetic location: 12q24.33.
Variant type: single nucleotide variant.
Coding change: c.5386A>G on transcript NM_006231.4 (MANE Select); coding-DNA position 5386, A replaced by G.
Protein change: p.Lys1796Glu; replaces lysine 1796 with glutamic acid.
Molecular consequence: missense variant.
Genome position (GRCh38, 1-based): chr12:132,639,291, T>C on the plus strand (A>G on the coding strand, the complement: POLE is on the minus strand). VCF-style: chr12-132639291-T-C. GRCh37 (hg19) VCF-style: chr12-133215877-T-C.
Other names: short protein forms K1796E.
Identifiers: ClinVar variation 1026658 (VCV001026658.11), dbSNP rs2042094966, ClinGen allele CA387375148.

ClinVar aggregate classification (germline): Uncertain significance. Review status: criteria provided, multiple submitters, no conflicts (2 of 4 stars). 3 submissions from 3 submitters: Uncertain significance (3). Last evaluated 2025-05-09.

Conditions:
Hereditary cancer-predisposing syndrome. Also called: Neoplastic Syndromes, Hereditary; Tumor predisposition; Hereditary Cancer Syndrome; Hereditary neoplastic syndrome. Identifiers: Orphanet 140162, MedGen C0027672, MeSH D009386, MONDO:0015356.

Submissions (3):

Ambry Genetics
Classification: Uncertain significance for Hereditary cancer-predisposing syndrome. Last evaluated: 2025-05-09. Review status: criteria provided, single submitter. Criteria: Ambry Variant Classification Scheme 2023. Collection method: clinical testing. Allele origin: germline.
Comment: The p.K1796E variant (also known as c.5386A>G), located in coding exon 40 of the POLE gene, results from an A to G substitution at nucleotide position 5386. The lysine at codon 1796 is replaced by glutamic acid, an amino acid with similar properties. This amino acid position is conserved. In addition, this alteration is predicted to be deleterious by in silico analysis. Based on the available evidence, the clinical significance of this variant remains unclear.

Labcorp Genetics (formerly Invitae), Labcorp
Classification: Uncertain significance. Last evaluated: 2023-11-03. Review status: criteria provided, single submitter. Criteria: Invitae Variant Classification Sherloc (09022015). Collection method: clinical testing. Allele origin: germline.
Comment: This sequence change replaces lysine, which is basic and polar, with glutamic acid, which is acidic and polar, at codon 1796 of the POLE protein (p.Lys1796Glu). This variant is not present in population databases (gnomAD no frequency). This variant has not been reported in the literature in individuals affected with POLE-related conditions. ClinVar contains an entry for this variant (Variation ID: 1026658). Advanced modeling of protein sequence and biophysical properties (such as structural, functional, and spatial information, amino acid conservation, physicochemical variation, residue mobility, and thermodynamic stability) has been performed at Invitae for this missense variant, however the output from this modeling did not meet the statistical confidence thresholds required to predict the impact of this variant on POLE protein function. In summary, the available evidence is currently insufficient to determine the role of this variant in disease. Therefore, it has been classified as a Variant of Uncertain Significance.

GeneDx
Classification: Uncertain significance. Last evaluated: 2022-03-04. Review status: criteria provided, single submitter. Criteria: GeneDx Variant Classification Process June 2021. Collection method: clinical testing. Allele origin: germline. Affected: yes.
Comment: Not observed at significant frequency in large population cohorts (gnomAD); In silico analysis supports that this missense variant has a deleterious effect on protein structure/function; Has not been previously published as pathogenic or benign to our knowledge